The following is an entry in ClinVar:

NM_016653.3(MAP3K20):c.2351A>C (p.Lys784Thr)

Genes: MAP3K20 (mitogen-activated protein kinase kinase kinase 20; plus strand), MAP3K20-AS1 (MAP3K20 antisense RNA 1; minus strand). Cytogenetic location: 2q31.1.
Variant type: single nucleotide variant.
Coding change: c.2351A>C on transcript NM_016653.3 (MANE Select); coding-DNA position 2351, A replaced by C.
Protein change: p.Lys784Thr; replaces lysine 784 with threonine.
Molecular consequence: missense variant.
Genome position (GRCh38, 1-based): chr2:173,266,698, A>C. VCF-style: chr2-173266698-A-C. GRCh37 (hg19) VCF-style: chr2-174131426-A-C.
Other names: p.Lys784Thr; short protein forms K784T.
Identifiers: ClinVar variation 791878 (VCV000791878.11), dbSNP rs55830025, ClinGen allele CA1971085.
Genomic context (GRCh38, chr2:173,266,698, plus strand): 5'-GCGAAGGGGGCTGGACAAAAGTGGAATACCGGAAAAAGCCCCACAGGCCATCTCCCGCCA[A>C]AACCAATAAAGAGAGAGCCAGAGGGGACCACCGTGGATGGAGAAACTTTTGATGAATTGA-3'
Protein context (NP_057737.2, residues 774-794): RKKPHRPSPA[Lys784Thr]TNKERARGDH

ClinVar aggregate classification (germline): Benign. Review status: criteria provided, multiple submitters, no conflicts (2 of 4 stars). 2 submissions from 2 submitters: Benign (2). Last evaluated 2026-01-29.

Allele frequency attached by ClinVar (database versions not stated): gnomAD exomes 0.00115 and 0.00291; ExAC 0.00488; ESP Exome Variant Server 0.01056; gnomAD 0.01223 and 0.01314; 1000 Genomes Project 0.01318; TOPMed 0.01414; 1000 Genomes Project 30x 0.01421.
gnomAD v4.1: 3,534 of 1,594,060 alleles (0.22%); highest among the groups gnomAD compares: African/African-American, 4.4%; 87 homozygotes.

Submissions (2):

Labcorp Genetics (formerly Invitae), Labcorp
Classification: Benign. Last evaluated: 2026-01-29. Review status: criteria provided, single submitter. Criteria: Invitae Variant Classification Sherloc (09022015). Collection method: clinical testing. Allele origin: germline.

Mayo Clinic Laboratories, Mayo Clinic
Classification: Benign. Last evaluated: 2025-01-21. Review status: criteria provided, single submitter. Criteria: ACMG Guidelines, 2015. Collection method: clinical testing. Allele origin: germline. Observed: 4 variant alleles.
Comment: BA1, BS2